The following is an entry in ClinVar:

ClinVar aggregate classification (germline): Likely pathogenic (1 of 4 stars; one submission).

Submission:

Labcorp Genetics (formerly Invitae), Labcorp
Classification: Likely pathogenic. Last evaluated: 2023-08-22. Review status: criteria provided, single submitter. Criteria: Invitae Variant Classification Sherloc (09022015). Collection method: clinical testing. Allele origin: germline.
Comment: This sequence change affects a donor splice site in intron 14 of the EIF2AK3 gene. It is expected to disrupt RNA splicing. Variants that disrupt the donor or acceptor splice site typically lead to a loss of protein function (PMID: 16199547), and loss-of-function variants in EIF2AK3 are known to be pathogenic (PMID: 11997520). This variant is not present in population databases (gnomAD no frequency). Disruption of this splice site has been observed in individual(s) with EIF2AK3-related conditions (PMID: 12960215, 24825091). Algorithms developed to predict the effect of sequence changes on RNA splicing suggest that this variant may disrupt the consensus splice site. In summary, the currently available evidence indicates that the variant is pathogenic, but additional data are needed to prove that conclusively. Therefore, this variant has been classified as Likely Pathogenic.

Literature cited by the submitters: PubMed 16199547; PubMed 11997520; PubMed 12960215; PubMed 24825091.

NM_004836.7(EIF2AK3):c.2985+1G>T

Genes: EIF2AK3 (eukaryotic translation initiation factor 2 alpha kinase 3; minus strand), EIF2AK3-AS1 (EIF2AK3 antisense RNA 1; plus strand). Cytogenetic location: 2p11.2.
Variant type: single nucleotide variant.
Coding change: c.2985+1G>T on transcript NM_004836.7 (MANE Select); the canonical splice donor site of the intron after coding-DNA position 2985, G replaced by T.
Molecular consequence: splice donor variant.
Genome position (GRCh38, 1-based): chr2:88,570,873, C>A on the plus strand (G>T on the coding strand, the complement: EIF2AK3 is on the minus strand). VCF-style: chr2-88570873-C-A. GRCh37 (hg19) VCF-style: chr2-88870391-C-A.
Other names: c.2532+1G>T (NM_001313915.2).
Identifiers: ClinVar variation 2754407 (VCV002754407.3), dbSNP rs869025179, ClinGen allele CA347586873.